The following is an entry in ClinVar:

NM_001277115.2(DNAH11):c.589A>T (p.Lys197Ter)

Gene: DNAH11 (dynein axonemal heavy chain 11; plus strand). Cytogenetic location: 7p15.3.
Variant type: single nucleotide variant.
Coding change: c.589A>T on transcript NM_001277115.2 (MANE Select); coding-DNA position 589, A replaced by T.
Protein change: p.Lys197Ter; replaces lysine 197 with a stop codon.
Molecular consequence: nonsense.
Genome position (GRCh38, 1-based): chr7:21,558,895, A>T. VCF-style: chr7-21558895-A-T. GRCh37 (hg19) VCF-style: chr7-21598513-A-T.
Other names: c.589A>T, p.Lys197Ter (NM_003777.3); short protein forms K197*.
Identifiers: ClinVar variation 2706889 (VCV002706889.3), dbSNP rs2534460628, ClinGen allele CA366932451.
Genomic context (GRCh38, chr7:21,558,895, plus strand): 5'-CATAAGTCCTGGTCCTGTTTTACTTCACAAGATATGGAATATCACATAGAAGTCATGAAA[A>T]AGAAGATGTATATTTTTAGGGGCAAAATGTCTAGAAGAACTCTTCTACCAATTCCCACTG-3'

ClinVar aggregate classification (germline): Pathogenic (1 of 4 stars; one submission).

Conditions:
Primary ciliary dyskinesia. Also called: Ciliary dyskinesia. Identifiers: Orphanet 244, MedGen C0008780, MONDO:0016575, HP:0012265.

Submission:

Labcorp Genetics (formerly Invitae), Labcorp
Classification: Pathogenic for Primary ciliary dyskinesia. Last evaluated: 2024-01-01. Review status: criteria provided, single submitter. Criteria: Invitae Variant Classification Sherloc (09022015). Collection method: clinical testing. Allele origin: germline.
Comment: This sequence change creates a premature translational stop signal (p.Lys197*) in the DNAH11 gene. It is expected to result in an absent or disrupted protein product. Loss-of-function variants in DNAH11 are known to be pathogenic (PMID: 18022865, 20513915, 22184204). This variant is not present in population databases (gnomAD no frequency). This variant has not been reported in the literature in individuals affected with DNAH11-related conditions. For these reasons, this variant has been classified as Pathogenic.

Literature cited by the submitters: PubMed 18022865; PubMed 20513915; PubMed 22184204.